The following is an entry in ClinVar:

ClinVar aggregate classification (germline): Benign (1 of 4 stars; one submission).

Conditions:
Familial cancer of breast. Also called: BREAST CANCER, FAMILIAL; Hereditary breast cancer; hereditary breast carcinoma. Identifiers: Orphanet 227535, MedGen C0346153, MONDO:0016419, OMIM 114480. Disease mechanism: loss of function.

gnomAD v4.1: 26,845 of 600,758 alleles (4.5%); highest among the groups gnomAD compares: Middle Eastern, 7.7%; 763 homozygotes.

Submission:

Genomic Medicine Laboratory, Hospital de Clinicas de Porto Alegre
Classification: Benign for Familial cancer of breast. Last evaluated: 2026-08-07. Review status: criteria provided, single submitter. Criteria: ACGS UK Practice Guidelines For Variant Classification V12 2024. Collection method: research. Allele origin: germline. Affected: yes. Observed: 3 variant alleles.
Comment: BA1: Allele frequency is above 5%

NM_199420.4(POLQ):c.5629+119C>A

Gene: POLQ (DNA polymerase theta; minus strand). Cytogenetic location: 3q13.33.
Variant type: single nucleotide variant.
Coding change: c.5629+119C>A on transcript NM_199420.4 (MANE Select); 119 bases into the intron after coding-DNA position 5629, C replaced by A.
Molecular consequence: intron variant.
Genome position (GRCh38, 1-based): chr3:121,487,183, G>T on the plus strand (C>A on the coding strand, the complement: POLQ is on the minus strand). VCF-style: chr3-121487183-G-T. GRCh37 (hg19) VCF-style: chr3-121206030-G-T.
Identifiers: ClinVar variation 4888224 (VCV004888224.1), dbSNP rs41541714.